The following is an entry in ClinVar:

NM_001267550.2(TTN):c.40928-1G>A

Gene: TTN (titin; minus strand). Cytogenetic location: 2q31.2.
Variant type: single nucleotide variant.
Coding change: c.40928-1G>A on transcript NM_001267550.2 (MANE Select); the canonical splice acceptor site of the intron before coding-DNA position 40928, G replaced by A.
Molecular consequence: splice acceptor variant.
Genome position (GRCh38, 1-based): chr2:178,636,800, C>T on the plus strand (G>A on the coding strand, the complement: TTN is on the minus strand). VCF-style: chr2-178636800-C-T. GRCh37 (hg19) VCF-style: chr2-179501527-C-T.
Other names: c.13733-1G>A (NM_003319.4); c.14309-1G>A (NM_133437.4); c.14108-1G>A (NM_133432.3); c.33224-1G>A (NM_133378.4); c.36005-1G>A (NM_001256850.1).
Identifiers: ClinVar variation 4784922 (VCV004784922.1).

ClinVar aggregate classification (germline): Likely pathogenic (1 of 4 stars; one submission).

Conditions:
Autosomal recessive limb-girdle muscular dystrophy type 2J (LGMDR10). Also called: Limb-girdle muscular dystrophy, type 2J; MUSCULAR DYSTROPHY, LIMB-GIRDLE, AUTOSOMAL RECESSIVE 10. Identifiers: Orphanet 140922, MedGen C1837342, MONDO:0012127, OMIM 608807.
Dilated cardiomyopathy 1G (CMD1G). Identifiers: Orphanet 154, MedGen C1858763, MONDO:0011400, OMIM 604145.

Submission:

Labcorp Genetics (formerly Invitae), Labcorp
Classification: Likely pathogenic for Dilated cardiomyopathy 1G; Autosomal recessive limb-girdle muscular dystrophy type 2J. Last evaluated: 2025-08-26. Review status: criteria provided, single submitter. Criteria: Invitae Variant Classification Sherloc (09022015). Collection method: clinical testing. Allele origin: germline.
Comment: This sequence change affects an acceptor splice site in intron 224 of the TTN gene. It is expected to disrupt RNA splicing and likely results in a truncated or disrupted TTN protein. This variant is not present in population databases (gnomAD no frequency). This variant has not been reported in the literature in individuals affected with TTN-related conditions. Algorithms developed to predict the effect of sequence changes on RNA splicing suggest that this variant may disrupt the consensus splice site. This variant is located in the I band of TTN (PMID: 25589632). Truncating variants in this region have been reported in individuals affected with autosomal recessive centronuclear myopathy (PMID: 23975875, internal data). Truncating variants in this region have also been identified in individuals affected with autosomal dominant dilated cardiomyopathy and/or cardio-related conditions (PMID: 27869827, 32964742, internal data). In summary, the currently available evidence indicates that the variant is pathogenic, but additional data are needed to prove that conclusively. Therefore, this variant has been classified as Likely Pathogenic.

Literature cited by the submitters: PubMed 25589632; PubMed 23975875; PubMed 27869827; PubMed 32964742.